The following is an entry in ClinVar:

ClinVar aggregate classification (germline): Benign (1 of 4 stars; one submission).

Submission:

CeGaT Center for Human Genetics Tuebingen
Classification: Benign. Last evaluated: 2025-11-01. Review status: criteria provided, single submitter. Criteria: CeGaT Center For Human Genetics Tuebingen Variant Classification Criteria Version 2. Collection method: clinical testing. Allele origin: germline. Affected: yes. Observed: 1 variant allele.
Comment: TMEM53: BP4, BP7, BS1, BS2

NM_024587.4(TMEM53):c.699G>A (p.Glu233=)

Gene: TMEM53 (transmembrane protein 53; minus strand). Cytogenetic location: 1p34.1.
Variant type: single nucleotide variant.
Coding change: c.699G>A on transcript NM_024587.4 (MANE Select); coding-DNA position 699, G replaced by A.
Protein change: p.Glu233=; no amino-acid change (glutamic acid 233 retained).
Molecular consequence: synonymous variant.
Genome position (GRCh38, 1-based): chr1:44,654,694, C>T on the plus strand (G>A on the coding strand, the complement: TMEM53 is on the minus strand). VCF-style: chr1-44654694-C-T. GRCh37 (hg19) VCF-style: chr1-45120366-C-T.
Other names: c.480G>A, p.Glu160= (NM_001300746.2); c.609G>A, p.Glu203= (NM_001300747.2); c.606G>A, p.Glu202= (NM_001300748.2).
Identifiers: ClinVar variation 4533425 (VCV004533425.6).